The following is an entry in ClinVar:

NM_001852.4(COL9A2):c.1480C>T (p.Pro494Ser)

Gene: COL9A2 (collagen type IX alpha 2 chain; minus strand). Cytogenetic location: 1p34.2.
Variant type: single nucleotide variant.
Coding change: c.1480C>T on transcript NM_001852.4 (MANE Select); coding-DNA position 1480, C replaced by T.
Protein change: p.Pro494Ser; replaces proline 494 with serine.
Molecular consequence: missense variant.
Genome position (GRCh38, 1-based): chr1:40,303,598, G>A on the plus strand (C>T on the coding strand, the complement: COL9A2 is on the minus strand). VCF-style: chr1-40303598-G-A. GRCh37 (hg19) VCF-style: chr1-40769270-G-A.
Other names: short protein forms P494S.
Identifiers: ClinVar variation 1119334 (VCV001119334.15), dbSNP rs202143849, ClinGen allele CA791432.

ClinVar aggregate classification (germline): Conflicting classifications of pathogenicity. Review status: criteria provided, conflicting classifications (1 of 4 stars). 5 submissions from 5 submitters: Uncertain significance (1); Likely benign (3). 1 of the submissions does not count toward it. Last evaluated 2026-01-27.

Conditions:
COL9A2-related disorder. Also called: COL9A2-related condition.
Inborn genetic diseases. Identifiers: MedGen C0950123, MeSH D030342.

Allele frequency attached by ClinVar (database versions not stated): ExAC 0.00054; ESP Exome Variant Server 0.00055; gnomAD 0.00126 and 0.00133; 1000 Genomes Project 30x 0.00156; 1000 Genomes Project 0.00200.
gnomAD v4.1: 366 of 1,607,212 alleles (0.023%); highest among the groups gnomAD compares: African/African-American, 0.42%; 2 homozygotes.

Submissions (5):

Labcorp Genetics (formerly Invitae), Labcorp
Classification: Likely benign. Last evaluated: 2026-01-27. Review status: criteria provided, single submitter. Criteria: Invitae Variant Classification Sherloc (09022015). Collection method: clinical testing. Allele origin: germline.

Ambry Genetics
Classification: Uncertain significance for Inborn genetic diseases. Last evaluated: 2024-11-27. Review status: criteria provided, single submitter. Criteria: Ambry Variant Classification Scheme 2023. Collection method: clinical testing. Allele origin: germline.

Blueprint Genetics
Classification: Likely benign. Last evaluated: 2024-11-11. Review status: criteria provided, single submitter. Criteria: ACMG Guidelines, 2015. Collection method: clinical testing. Allele origin: germline.

GeneDx
Classification: Likely benign. Last evaluated: 2020-11-04. Review status: criteria provided, single submitter. Criteria: GeneDx Variant Classification Process June 2021. Collection method: clinical testing. Allele origin: germline. Affected: yes.

PreventionGenetics, part of Exact Sciences
Classification: Likely benign for COL9A2-related condition. Last evaluated: 2023-04-24. Review status: no assertion criteria provided. Collection method: clinical testing. Allele origin: germline. Not counted in ClinVar's aggregate classification.
Comment: This variant is classified as likely benign based on ACMG/AMP sequence variant interpretation guidelines (Richards et al. 2015 PMID: 25741868, with internal and published modifications).